The following is an entry in ClinVar:

ClinVar aggregate classification (germline): Conflicting classifications of pathogenicity. Review status: criteria provided, conflicting classifications (1 of 4 stars). 2 submissions from 2 submitters: Uncertain significance (1); Likely benign (1). Last evaluated 2025-11-24.

Conditions:
Inborn genetic diseases. Identifiers: MedGen C0950123, MeSH D030342.
Pierson syndrome. Also called: MICROCORIA-CONGENITAL NEPHROTIC SYNDROME. Identifiers: Orphanet 2670, MedGen C1836876, MONDO:0012184, OMIM 609049.
LAMB2-related infantile-onset nephrotic syndrome. Also called: Nephrotic Syndrome, type 5; NEPHROTIC SYNDROME, TYPE 5, WITHOUT OCULAR ABNORMALITIES; NEPHROTIC SYNDROME, TYPE 5, WITH OCULAR ABNORMALITIES. Identifiers: Orphanet 306507, MedGen C3280113, MONDO:0013621, OMIM 614199.

Allele frequency attached by ClinVar (database versions not stated): gnomAD 0.00003; TOPMed 0.00006; ExAC 0.00008.
gnomAD v4.1: 88 of 1,614,054 alleles (0.0055%); highest among the groups gnomAD compares: South Asian, 0.054%; no homozygotes.

Submissions (2):

Labcorp Genetics (formerly Invitae), Labcorp
Classification: Uncertain significance for LAMB2-related infantile-onset nephrotic syndrome; Pierson syndrome. Last evaluated: 2025-11-24. Review status: criteria provided, single submitter. Criteria: Invitae Variant Classification Sherloc (09022015). Collection method: clinical testing. Allele origin: germline.
Comment: This sequence change replaces arginine, which is basic and polar, with histidine, which is basic and polar, at codon 334 of the LAMB2 protein (p.Arg334His). This variant is present in population databases (rs773981655, gnomAD 0.06%). This variant has not been reported in the literature in individuals affected with LAMB2-related conditions. ClinVar contains an entry for this variant (Variation ID: 2037999). An algorithm developed to predict the effect of missense changes on protein structure and function outputs the following: PolyPhen-2: "Benign". The histidine amino acid residue is found in multiple mammalian species, which suggests that this missense change does not adversely affect protein function. In summary, the available evidence is currently insufficient to determine the role of this variant in disease. Therefore, it has been classified as a Variant of Uncertain Significance.

Ambry Genetics
Classification: Likely benign for Inborn genetic diseases. Last evaluated: 2024-06-17. Review status: criteria provided, single submitter. Criteria: Ambry Variant Classification Scheme 2023. Collection method: clinical testing. Allele origin: germline.

NM_002292.4(LAMB2):c.1001G>A (p.Arg334His)

Gene: LAMB2 (laminin subunit beta 2; minus strand). Cytogenetic location: 3p21.31.
Variant type: single nucleotide variant.
Coding change: c.1001G>A on transcript NM_002292.4 (MANE Select); coding-DNA position 1001, G replaced by A.
Protein change: p.Arg334His; replaces arginine 334 with histidine.
Molecular consequence: missense variant.
Genome position (GRCh38, 1-based): chr3:49,130,775, C>T on the plus strand (G>A on the coding strand, the complement: LAMB2 is on the minus strand). VCF-style: chr3-49130775-C-T. GRCh37 (hg19) VCF-style: chr3-49168208-C-T.
Other names: c.1001G>A (NM_002292.3); short protein forms R334H.
Identifiers: ClinVar variation 2037999 (VCV002037999.4), dbSNP rs773981655, ClinGen allele CA2394731.